The following is an entry in ClinVar:

NM_020975.6(RET):c.721G>A (p.Ala241Thr)

Gene: RET (ret proto-oncogene; plus strand). Cytogenetic location: 10q11.21.
Variant type: single nucleotide variant.
Coding change: c.721G>A on transcript NM_020975.6 (MANE Select); coding-DNA position 721, G replaced by A.
Protein change: p.Ala241Thr; replaces alanine 241 with threonine.
Molecular consequence: missense variant. On other transcripts: 5 prime UTR variant (1), intron variant (22).
Genome position (GRCh38, 1-based): chr10:43,105,047, G>A. VCF-style: chr10-43105047-G-A. GRCh37 (hg19) VCF-style: chr10-43600495-G-A.
Other names: c.-42G>A (NM_001355216.2); c.721G>A, p.Ala241Thr (NM_001406743.1, NM_001406744.1, NM_001406759.1 and 6 more transcripts); c.592G>A, p.Ala198Thr (NM_001406761.1, NM_001406762.1, NM_001406764.1 and 2 more transcripts); c.433G>A, p.Ala145Thr (NM_001406766.1, NM_001406767.1, NM_001406770.1); c.625+2418G>A (NM_001406773.1, NM_001406771.1, NM_001406782.1 and 5 more transcripts); c.496+2418G>A (NM_001406786.1, NM_001406783.1); c.338-3984G>A (NM_001406778.1, NM_001406775.1, NM_001406776.1 and 1 more transcripts); c.337+4325G>A (NM_001406790.1, NM_001406788.1, NM_001406789.1 and 1 more transcripts); and 2 more; short protein forms A198T, A241T, A145T.
Identifiers: ClinVar variation 3788300 (VCV003788300.1).
Genomic context (GRCh38, chr10:43,105,047, plus strand): 5'-CTGGAGGTGAGCACGCGCTGGGCCCTGGACCGCGAGCAGCGGGAGAAGTACGAGCTGGTG[G>A]CCGTGTGCACCGTGCACGCCGGCGCGCGCGAGGAGGTGGTGATGGTGCCCTTCCCGGTGA-3'
Protein context (NP_066124.1, residues 231-251): REQREKYELV[Ala241Thr]VCTVHAGARE

ClinVar aggregate classification (germline): Uncertain significance (1 of 4 stars; one submission).

Conditions:
Hereditary cancer-predisposing syndrome. Also called: Neoplastic Syndromes, Hereditary; Hereditary Cancer Syndrome; Tumor predisposition; Hereditary neoplastic syndrome. Identifiers: Orphanet 140162, MedGen C0027672, MeSH D009386, MONDO:0015356.

Submission:

Ambry Genetics
Classification: Uncertain significance for Hereditary cancer-predisposing syndrome. Last evaluated: 2025-01-10. Review status: criteria provided, single submitter. Criteria: Ambry Variant Classification Scheme 2023. Collection method: clinical testing. Allele origin: germline.
Comment: The p.A241T variant (also known as c.721G>A), located in coding exon 4 of the RET gene, results from a G to A substitution at nucleotide position 721. The alanine at codon 241 is replaced by threonine, an amino acid with similar properties. This amino acid position is well conserved in available vertebrate species. In addition, this alteration is predicted to be tolerated by in silico analysis. Based on the available evidence, the clinical significance of this variant remains unclear.